The following is an entry in ClinVar:

NM_006269.2(RP1):c.5867A>G (p.His1956Arg)

Genes: RP1 (RP1 axonemal microtubule associated; plus strand), LOC126860392 (CDK7 strongly-dependent group 2 enhancer GRCh37_chr8:55541319-55542518; plus strand). Cytogenetic location: 8q12.1.
Variant type: single nucleotide variant.
Coding change: c.5867A>G on transcript NM_006269.2 (MANE Select); coding-DNA position 5867, A replaced by G.
Protein change: p.His1956Arg; replaces histidine 1956 with arginine.
Molecular consequence: missense variant. On other transcripts: intron variant (1).
Genome position (GRCh38, 1-based): chr8:54,629,749, A>G. VCF-style: chr8-54629749-A-G. GRCh37 (hg19) VCF-style: chr8-55542309-A-G.
Other names: c.787+7461A>G (NM_001375654.1); c.5867A>G (NM_006269.1); short protein forms H1956R.
Identifiers: ClinVar variation 1414530 (VCV001414530.11), dbSNP rs371291077, ClinGen allele CA4752141.
Genomic context (GRCh38, chr8:54,629,749, plus strand): 5'-CATATCGCAAAGAATCTGATATTGAAAATTTCTTGGGTTTTTATTTATGGATGAAAATAC[A>G]CCCATATTTACTTCAGACAGACAAAAATGTGTTCAGGGAAGAGAACAATAAAGCAAGTAT-3'
Protein context (NP_006260.1, residues 1946-1966): FLGFYLWMKI[His1956Arg]PYLLQTDKNV

ClinVar aggregate classification (germline): Uncertain significance. Review status: criteria provided, multiple submitters, no conflicts (2 of 4 stars). 4 submissions from 4 submitters: Uncertain significance (4). Last evaluated 2026-01-24.

Conditions:
RP1-related disorder. Also called: RP1-related condition.
Inborn genetic diseases. Identifiers: MedGen C0950123, MeSH D030342.

Allele frequency attached by ClinVar (database versions not stated): gnomAD 0.00003; gnomAD exomes 0.00005 and 0.00007; ExAC 0.00007; ESP Exome Variant Server 0.00008; TOPMed 0.00008; 1000 Genomes Project 30x 0.00016; 1000 Genomes Project 0.00020.
gnomAD v4.1: 108 of 1,610,012 alleles (0.0067%); highest among the groups gnomAD compares: Admixed American, 0.0084%; no homozygotes.

Submissions (4):

Labcorp Genetics (formerly Invitae), Labcorp
Classification: Uncertain significance. Last evaluated: 2026-01-24. Review status: criteria provided, single submitter. Criteria: Invitae Variant Classification Sherloc (09022015). Collection method: clinical testing. Allele origin: germline.
Comment: This sequence change replaces histidine, which is basic and polar, with arginine, which is basic and polar, at codon 1956 of the RP1 protein (p.His1956Arg). This variant is present in population databases (rs371291077, gnomAD 0.008%). This variant has not been reported in the literature in individuals affected with RP1-related conditions. ClinVar contains an entry for this variant (Variation ID: 1414530). An algorithm developed to predict the effect of missense changes on protein structure and function (PolyPhen-2) suggests that this variant is likely to be tolerated. In summary, the available evidence is currently insufficient to determine the role of this variant in disease. Therefore, it has been classified as a Variant of Uncertain Significance.

PreventionGenetics, part of Exact Sciences
Classification: Uncertain significance for RP1-related condition. Last evaluated: 2025-11-11. Review status: criteria provided, single submitter. Criteria: ACMG Guidelines, 2015. Collection method: clinical testing. Allele origin: germline.
Comment: The RP1 c.5867A>G variant is predicted to result in the amino acid substitution p.His1956Arg. To our knowledge, this variant has not been reported in the literature. This variant is present in 0.0094% of alleles in individuals of European (Non-Finnish) descent in gnomAD. At this time, the clinical significance of this variant is uncertain due to the absence of conclusive functional and genetic evidence.

Ambry Genetics
Classification: Uncertain significance for Inborn genetic diseases. Last evaluated: 2025-06-30. Review status: criteria provided, single submitter. Criteria: Ambry Variant Classification Scheme 2023. Collection method: clinical testing. Allele origin: germline.

Blueprint Genetics
Classification: Uncertain significance. Last evaluated: 2023-02-08. Review status: criteria provided, single submitter. Criteria: ACMG Guidelines, 2015. Collection method: clinical testing. Allele origin: germline.